The following continues an entry in ClinVar:

NM_015268.4(DNAJC13):c.5560+4A>T

Gene: DNAJC13. ClinVar aggregate classification (germline): Benign. Benign (3).

Submissions 104 to 123 of 123:

Dr. Peter K. Rogan Lab, Western University
No classification provided (evidence only). Condition: Cervical cancer. Review status: no classification provided. Collection method: in vitro. Allele origin: not applicable. Functional consequence: skipped exon, retained intron. Not counted in ClinVar's aggregate classification.

Dr. Peter K. Rogan Lab, Western University
No classification provided (evidence only). Condition: Cervical cancer. Review status: no classification provided. Collection method: in vitro. Allele origin: not applicable. Functional consequence: retained intron. Not counted in ClinVar's aggregate classification.

Dr. Peter K. Rogan Lab, Western University
No classification provided (evidence only). Condition: Cervical cancer. Review status: no classification provided. Collection method: in vitro. Allele origin: not applicable. Functional consequence: skipped exon, retained intron. Not counted in ClinVar's aggregate classification.

Dr. Peter K. Rogan Lab, Western University
No classification provided (evidence only). Condition: Cervical cancer. Review status: no classification provided. Collection method: in vitro. Allele origin: not applicable. Functional consequence: skipped exon, retained intron. Not counted in ClinVar's aggregate classification.

Dr. Peter K. Rogan Lab, Western University
No classification provided (evidence only). Condition: Cervical cancer. Review status: no classification provided. Collection method: in vitro. Allele origin: not applicable. Functional consequence: retained intron. Not counted in ClinVar's aggregate classification.

Dr. Peter K. Rogan Lab, Western University
No classification provided (evidence only). Condition: Cervical cancer. Review status: no classification provided. Collection method: in vitro. Allele origin: not applicable. Functional consequence: skipped exon, retained intron. Not counted in ClinVar's aggregate classification.

Dr. Peter K. Rogan Lab, Western University
No classification provided (evidence only). Condition: Malignant lymphoma, large B-cell, diffuse. Review status: no classification provided. Collection method: in vitro. Allele origin: not applicable. Functional consequence: retained intron. Not counted in ClinVar's aggregate classification.

Dr. Peter K. Rogan Lab, Western University
No classification provided (evidence only). Condition: Nonpapillary renal cell carcinoma. Review status: no classification provided. Collection method: in vitro. Allele origin: not applicable. Functional consequence: skipped exon, retained intron. Not counted in ClinVar's aggregate classification.

Dr. Peter K. Rogan Lab, Western University
No classification provided (evidence only). Condition: Nonpapillary renal cell carcinoma. Review status: no classification provided. Collection method: in vitro. Allele origin: not applicable. Functional consequence: skipped exon, retained intron. Not counted in ClinVar's aggregate classification.

Dr. Peter K. Rogan Lab, Western University
No classification provided (evidence only). Condition: Nonpapillary renal cell carcinoma. Review status: no classification provided. Collection method: in vitro. Allele origin: not applicable. Functional consequence: skipped exon, retained intron. Not counted in ClinVar's aggregate classification.

Dr. Peter K. Rogan Lab, Western University
No classification provided (evidence only). Condition: Nonpapillary renal cell carcinoma. Review status: no classification provided. Collection method: in vitro. Allele origin: not applicable. Functional consequence: skipped exon. Not counted in ClinVar's aggregate classification.

Dr. Peter K. Rogan Lab, Western University
No classification provided (evidence only). Condition: Nonpapillary renal cell carcinoma. Review status: no classification provided. Collection method: in vitro. Allele origin: not applicable. Functional consequence: skipped exon. Not counted in ClinVar's aggregate classification.

Dr. Peter K. Rogan Lab, Western University
No classification provided (evidence only). Condition: Nonpapillary renal cell carcinoma. Review status: no classification provided. Collection method: in vitro. Allele origin: not applicable. Functional consequence: skipped exon, retained intron. Not counted in ClinVar's aggregate classification.

Dr. Peter K. Rogan Lab, Western University
No classification provided (evidence only). Condition: Nonpapillary renal cell carcinoma. Review status: no classification provided. Collection method: in vitro. Allele origin: not applicable. Functional consequence: skipped exon, retained intron. Not counted in ClinVar's aggregate classification.

Dr. Peter K. Rogan Lab, Western University
No classification provided (evidence only). Condition: Nonpapillary renal cell carcinoma. Review status: no classification provided. Collection method: in vitro. Allele origin: not applicable. Functional consequence: skipped exon, retained intron. Not counted in ClinVar's aggregate classification.

Dr. Peter K. Rogan Lab, Western University
No classification provided (evidence only). Condition: Nonpapillary renal cell carcinoma. Review status: no classification provided. Collection method: in vitro. Allele origin: not applicable. Functional consequence: skipped exon, retained intron. Not counted in ClinVar's aggregate classification.

Dr. Peter K. Rogan Lab, Western University
No classification provided (evidence only). Condition: Thymoma. Review status: no classification provided. Collection method: in vitro. Allele origin: not applicable. Functional consequence: skipped exon, retained intron. Not counted in ClinVar's aggregate classification.

Dr. Peter K. Rogan Lab, Western University
No classification provided (evidence only). Condition: Thymoma. Review status: no classification provided. Collection method: in vitro. Allele origin: not applicable. Functional consequence: skipped exon, retained intron. Not counted in ClinVar's aggregate classification.

Dr. Peter K. Rogan Lab, Western University
No classification provided (evidence only). Condition: Thymoma. Review status: no classification provided. Collection method: in vitro. Allele origin: not applicable. Functional consequence: retained intron. Not counted in ClinVar's aggregate classification.

Genome Diagnostics Laboratory, Amsterdam University Medical Center
Classification: Benign. Review status: no assertion criteria provided. Collection method: clinical testing. Allele origin: germline. Affected: yes. Study: VKGL Data-share Consensus. Not counted in ClinVar's aggregate classification.